The following is an entry in ClinVar:

ClinVar aggregate classification (germline): Uncertain significance (1 of 4 stars; one submission).

Conditions:
Inborn genetic diseases. Identifiers: MedGen C0950123, MeSH D030342.

Submission:

Ambry Genetics
Classification: Uncertain significance for Inborn genetic diseases. Last evaluated: 2025-01-31. Review status: criteria provided, single submitter. Criteria: Ambry Variant Classification Scheme 2023. Collection method: clinical testing. Allele origin: germline.
Comment: The p.A584P variant (also known as c.1750G>C), located in coding exon 20 of the RTEL1 gene, results from a G to C substitution at nucleotide position 1750. The alanine at codon 584 is replaced by proline, an amino acid with highly similar properties. This amino acid position is conserved. In addition, the in silico prediction for this alteration is inconclusive. Based on the available evidence, the clinical significance of this variant remains unclear.

NM_001283009.2(RTEL1):c.1750G>C (p.Ala584Pro)

Genes: RTEL1 (regulator of telomere elongation helicase 1; plus strand), RTEL1-TNFRSF6B (RTEL1-TNFRSF6B readthrough (NMD candidate); plus strand). Cytogenetic location: 20q13.33.
Variant type: single nucleotide variant.
Coding change: c.1750G>C on transcript NM_001283009.2 (MANE Select); coding-DNA position 1750, G replaced by C.
Protein change: p.Ala584Pro; replaces alanine 584 with proline.
Molecular consequence: missense variant. On other transcripts: non-coding transcript variant (1).
Genome position (GRCh38, 1-based): chr20:63,688,555, G>C. VCF-style: chr20-63688555-G-C. GRCh37 (hg19) VCF-style: chr20-62319908-G-C.
Other names: c.1081G>C, p.Ala361Pro (NM_001283010.1); c.1750G>C, p.Ala584Pro (NM_016434.4); c.1822G>C, p.Ala608Pro (NM_032957.5); short protein forms A361P, A584P, A608P.
Identifiers: ClinVar variation 3791102 (VCV003791102.1).